The following is an entry in ClinVar:

NM_138694.4(PKHD1):c.7575A>C (p.Glu2525Asp)

Gene: PKHD1 (PKHD1 ciliary IPT domain containing fibrocystin/polyductin; minus strand). Cytogenetic location: 6p12.2.
Variant type: single nucleotide variant.
Coding change: c.7575A>C on transcript NM_138694.4 (MANE Select); coding-DNA position 7575, A replaced by C.
Protein change: p.Glu2525Asp; replaces glutamic acid 2525 with aspartic acid.
Molecular consequence: missense variant.
Genome position (GRCh38, 1-based): chr6:51,868,021, T>G on the plus strand (A>C on the coding strand, the complement: PKHD1 is on the minus strand). VCF-style: chr6-51868021-T-G. GRCh37 (hg19) VCF-style: chr6-51732819-T-G.
Other names: c.7575A>C, p.Glu2525Asp (NM_170724.3); short protein forms E2525D.
Identifiers: ClinVar variation 1511571 (VCV001511571.5), dbSNP rs756456332, ClinGen allele CA3851896.

ClinVar aggregate classification (germline): Uncertain significance (1 of 4 stars; one submission).

Conditions:
Autosomal recessive polycystic kidney disease (ARPKD). Also called: AR polycystic kidney disease. Identifiers: Orphanet 731, Orphanet 8378, MedGen C0085548, MeSH D017044, MONDO:0009889.

Allele frequency attached by ClinVar (database versions not stated): gnomAD exomes 0.00001 and 0.00003; TOPMed 0.00001; ExAC 0.00004.
gnomAD v4.1: 7 of 1,612,850 alleles (0.00043%); highest among the groups gnomAD compares: Admixed American, 0.012%; no homozygotes.

Submission:

Labcorp Genetics (formerly Invitae), Labcorp
Classification: Uncertain significance for Autosomal recessive polycystic kidney disease. Last evaluated: 2021-09-01. Review status: criteria provided, single submitter. Criteria: Invitae Variant Classification Sherloc (09022015). Collection method: clinical testing. Allele origin: germline.
Comment: This sequence change replaces glutamic acid with aspartic acid at codon 2525 of the PKHD1 protein (p.Glu2525Asp). The glutamic acid residue is highly conserved and there is a small physicochemical difference between glutamic acid and aspartic acid. This variant is present in population databases (rs756456332, ExAC 0.04%). This variant has not been reported in the literature in individuals affected with PKHD1-related conditions. Advanced modeling of protein sequence and biophysical properties (such as structural, functional, and spatial information, amino acid conservation, physicochemical variation, residue mobility, and thermodynamic stability) performed at Invitae indicates that this missense variant is not expected to disrupt PKHD1 protein function. In summary, the available evidence is currently insufficient to determine the role of this variant in disease. Therefore, it has been classified as a Variant of Uncertain Significance.